The following is an entry in ClinVar:

ClinVar aggregate classification (germline): Conflicting classifications of pathogenicity. Review status: criteria provided, conflicting classifications (1 of 4 stars). 4 submissions from 3 submitters: Uncertain significance (3); Likely benign (1). Last evaluated 2025-01-24.

Conditions:
Complement component 2 deficiency (C2D). Also called: C2 deficiency. Identifiers: MedGen C0398756, MONDO:0009006, OMIM 217000.
Age related macular degeneration 14. Also called: MACULAR DEGENERATION, AGE-RELATED, 14, REDUCED RISK OF. Identifiers: MedGen C3809653, MONDO:0014207, OMIM 615489.

Allele frequency attached by ClinVar (database versions not stated): ExAC 0.00003; gnomAD exomes 0.00004 and 0.00019; gnomAD 0.00007; TOPMed 0.00012.
gnomAD v4.1: 286 of 1,612,642 alleles (0.018%); highest among the groups gnomAD compares: Non-Finnish European, 0.024%; no homozygotes.

Submissions (4):

Ambry Genetics
Classification: Likely benign. Last evaluated: 2025-01-24. Review status: criteria provided, single submitter. Criteria: Ambry Variant Classification Scheme 2023. Collection method: clinical testing. Allele origin: germline.

Labcorp Genetics (formerly Invitae), Labcorp
Classification: Uncertain significance. Last evaluated: 2021-08-31. Review status: criteria provided, single submitter. Criteria: Invitae Variant Classification Sherloc (09022015). Collection method: clinical testing. Allele origin: germline.
Comment: This sequence change replaces alanine with valine at codon 370 of the C2 protein (p.Ala370Val). The alanine residue is highly conserved and there is a small physicochemical difference between alanine and valine. This variant is present in population databases (rs777200072, ExAC 0.005%). This variant has not been reported in the literature in individuals affected with C2-related conditions. ClinVar contains an entry for this variant (Variation ID: 905442). Algorithms developed to predict the effect of missense changes on protein structure and function output the following: SIFT: "Deleterious"; PolyPhen-2: "Benign"; Align-GVGD: "Class C0". The valine amino acid residue is found in multiple mammalian species, which suggests that this missense change does not adversely affect protein function. In summary, the available evidence is currently insufficient to determine the role of this variant in disease. Therefore, it has been classified as a Variant of Uncertain Significance.

Illumina Laboratory Services, Illumina
Classification: Uncertain significance for Complement component 2 deficiency. Last evaluated: 2017-04-27. Review status: criteria provided, single submitter. Criteria: ICSL Variant Classification Criteria 13 December 2019. Collection method: clinical testing. Allele origin: germline.

Illumina Laboratory Services, Illumina
Classification: Uncertain significance for Age related macular degeneration 14. Last evaluated: 2017-04-27. Review status: criteria provided, single submitter. Criteria: ICSL Variant Classification Criteria 13 December 2019. Collection method: clinical testing. Allele origin: germline.

NM_000063.6(C2):c.1109C>T (p.Ala370Val)

Genes: C2 (complement C2; plus strand), C2-AS1 (C2 antisense RNA 1; minus strand). Cytogenetic location: 6p21.33.
Variant type: single nucleotide variant.
Coding change: c.1109C>T on transcript NM_000063.6 (MANE Select); coding-DNA position 1109, C replaced by T.
Protein change: p.Ala370Val; replaces alanine 370 with valine.
Molecular consequence: missense variant.
Genome position (GRCh38, 1-based): chr6:31,937,439, C>T. VCF-style: chr6-31937439-C-T. GRCh37 (hg19) VCF-style: chr6-31905216-C-T.
Other names: c.713C>T, p.Ala238Val (NM_001145903.3); c.467C>T, p.Ala156Val (NM_001178063.3); c.371C>T, p.Ala124Val (NM_001282457.2); c.1022C>T, p.Ala341Val (NM_001282458.2); short protein forms A370V, A124V, A156V, A341V, A238V.
Identifiers: ClinVar variation 905442 (VCV000905442.9), dbSNP rs777200072, ClinGen allele CA3727614.